The following is an entry in ClinVar:

ClinVar aggregate classification (germline): Benign (3 of 4 stars; one submission).

Conditions:
Breast-ovarian cancer, familial, susceptibility to, 2 (BROVCA2). Also called: BRCA2 Hereditary Breast and Ovarian Cancer. Identifiers: Orphanet 145, MedGen C2675520, MONDO:0012933, OMIM 612555. Disease mechanism: loss of function.

Allele frequency attached by ClinVar (database versions not stated): 1000 Genomes Project 30x 0.00843; 1000 Genomes Project 0.00899; gnomAD 0.00668 and 0.00708; TOPMed 0.00754.
gnomAD v4.1: 1,003 of 151,712 alleles (0.66%); highest among the groups gnomAD compares: African/African-American, 2.3%; 8 homozygotes.

Submission:

Evidence-based Network for the Interpretation of Germline Mutant Alleles (ENIGMA)
Classification: Benign for Breast-ovarian cancer, familial 2. Last evaluated: 2015-01-12. Review status: reviewed by expert panel. Criteria: ENIGMA BRCA1/2 Classification Criteria (2015). Collection method: curation. Allele origin: germline.
Comment: Class 1 not pathogenic based on frequency >1% in an outbred sampleset. Frequency 0.02846 (African), derived from 1000 genomes (2012-04-30).

NM_000059.4(BRCA2):c.8632+2231C>T

Gene: BRCA2 (BRCA2 DNA repair associated; plus strand). Cytogenetic location: 13q13.1.
Variant type: single nucleotide variant.
Coding change: c.8632+2231C>T on transcript NM_000059.4 (MANE Select); 2231 bases into the intron after coding-DNA position 8632, C replaced by T.
Molecular consequence: intron variant.
Genome position (GRCh38, 1-based): chr13:32,373,331, C>T. VCF-style: chr13-32373331-C-T. GRCh37 (hg19) VCF-style: chr13-32947468-C-T.
Other names: IVS 20+2231C>T.
Identifiers: ClinVar variation 209826 (VCV000209826.1), dbSNP rs140438658, ClinGen allele CA276794.